The following is an entry in ClinVar:

ClinVar aggregate classification (germline): Uncertain significance (1 of 4 stars; one submission).

Conditions:
Neurodevelopmental disorder with regression, abnormal movements, loss of speech, and seizures. Identifiers: Orphanet 597623, MedGen C4748127, MONDO:0060759, OMIM 618088.

Submission:

Pittsburgh Clinical Genomics Laboratory, University of Pittsburgh Medical Center
Classification: Uncertain significance for Neurodevelopmental disorder with regression, abnormal movements, loss of speech, and seizures. Last evaluated: 2022-09-03. Review status: criteria provided, single submitter. Criteria: ACMG Guidelines, 2015. Collection method: clinical testing. Allele origin: germline. Inheritance: Autosomal dominant inheritance. Affected: yes.
Comment: This sequence variant is a single nucleotide substitution (T>G) at coding nucleotide 1267 of the IRF2BPL gene which results in a tyrosine to aspartic acid acid amino acid change at residue 423 in the IRF2BPL protein. This is a novel variant which has not been reported in clinical genetics databases or observed in the medical literature in individuals with IRF2BPL-related disease, to our knowledge. This variant is absent from the gnomAD control population dataset (0/~282000 alleles). Multiple bioinformatic tools predict that this protein change is likely to be damaging, and tyrosine is highly conserved at this protein position in vertebrates. Functiol studies testing the effects of this variant have not been performed, to our knowledge. At this time, there is insufficient evidence to determine if this variant is pathogenic or benign. Therefore, we consider it to be a variant of uncertain significance. ACMG Criteria: PM2, PP3

NM_024496.4(IRF2BPL):c.1267T>G (p.Tyr423Asp)

Gene: IRF2BPL (interferon regulatory factor 2 binding protein like; minus strand). Cytogenetic location: 14q24.3.
Variant type: single nucleotide variant.
Coding change: c.1267T>G on transcript NM_024496.4 (MANE Select); coding-DNA position 1267, T replaced by G.
Protein change: p.Tyr423Asp; replaces tyrosine 423 with aspartic acid.
Molecular consequence: missense variant.
Genome position (GRCh38, 1-based): chr14:77,026,526, A>C on the plus strand (T>G on the coding strand, the complement: IRF2BPL is on the minus strand). VCF-style: chr14-77026526-A-C. GRCh37 (hg19) VCF-style: chr14-77492869-A-C.
Other names: short protein forms Y423D.
Identifiers: ClinVar variation 3376210 (VCV003376210.1).